The following is an entry in ClinVar:

ClinVar aggregate classification (germline): Uncertain significance (1 of 4 stars; one submission).

Submission:

GeneDx
Classification: Uncertain significance. Last evaluated: 2023-11-11. Review status: criteria provided, single submitter. Criteria: GeneDx Variant Classification Process June 2021. Collection method: clinical testing. Allele origin: germline. Affected: yes.
Comment: Not observed at significant frequency in large population cohorts (gnomAD); In silico analysis supports that this missense variant has a deleterious effect on protein structure/function; Has not been previously published as pathogenic or benign to our knowledge

NM_207037.2(TCF12):c.1983G>C (p.Arg661Ser)

Gene: TCF12 (transcription factor 12; plus strand). Cytogenetic location: 15q21.3.
Variant type: single nucleotide variant.
Coding change: c.1983G>C on transcript NM_207037.2 (MANE Select); coding-DNA position 1983, G replaced by C.
Protein change: p.Arg661Ser; replaces arginine 661 with serine.
Molecular consequence: missense variant.
Genome position (GRCh38, 1-based): chr15:57,282,449, G>C. VCF-style: chr15-57282449-G-C. GRCh37 (hg19) VCF-style: chr15-57574647-G-C.
Other names: c.1473G>C, p.Arg491Ser (NM_001306219.3); c.1203G>C, p.Arg401Ser (NM_001306220.3); c.1983G>C, p.Arg661Ser (NM_001322151.2, NM_001322159.3, NM_001322162.2 and 1 more transcripts); c.1980G>C, p.Arg660Ser (NM_001322152.2, NM_001322161.2); c.1326G>C, p.Arg442Ser (NM_001322154.2); c.1809G>C, p.Arg603Ser (NM_001322156.2); c.1911G>C, p.Arg637Ser (NM_001322157.3, NM_001322165.2, NM_003205.4 and 1 more transcripts); c.1737G>C, p.Arg579Ser (NM_001322158.2); and 2 more; short protein forms R661S, R401S, R442S, R467S, R491S, R579S, R603S, R637S.
Identifiers: ClinVar variation 3363959 (VCV003363959.1).